The following is an entry in ClinVar:

NM_001367624.2(ZNF469):c.9859A>C (p.Thr3287Pro)

Gene: ZNF469 (zinc finger protein 469; plus strand). Cytogenetic location: 16q24.2.
Variant type: single nucleotide variant.
Coding change: c.9859A>C on transcript NM_001367624.2 (MANE Select); coding-DNA position 9859, A replaced by C.
Protein change: p.Thr3287Pro; replaces threonine 3287 with proline.
Molecular consequence: missense variant.
Genome position (GRCh38, 1-based): chr16:88,437,329, A>C. VCF-style: chr16-88437329-A-C. GRCh37 (hg19) VCF-style: chr16-88503737-A-C.
Other names: NM_001127464.1:c.9775A>C; short protein forms T3287P.
Identifiers: ClinVar variation 1768151 (VCV001768151.2), dbSNP rs2507604576, ClinGen allele CA397124918.
Genomic context (GRCh38, chr16:88,437,329, plus strand): 5'-CCGGGCGAGAGGGCGAAACCCCGGGCACGCAGCACCCCCAGCAACCCAGACGGGGCCGCG[A>C]CCCCAGACAGCGCCTCTGCCACCGCCCTGGCTGACGCCGGCAGCCCGGGCCCCCCCAGGA-3'
Protein context (NP_001354553.1, residues 3277-3297): STPSNPDGAA[Thr3287Pro]PDSASATALA

ClinVar aggregate classification (germline): Uncertain significance (1 of 4 stars; one submission).

Conditions:
Cardiovascular phenotype. Identifiers: MedGen CN230736.

Submission:

Ambry Genetics
Classification: Uncertain significance for Cardiovascular phenotype. Last evaluated: 2021-11-19. Review status: criteria provided, single submitter. Criteria: Ambry Variant Classification Scheme 2023. Collection method: clinical testing. Allele origin: germline.
Comment: The p.T3259P variant (also known as c.9775A>C), located in coding exon 2 of the ZNF469 gene, results from an A to C substitution at nucleotide position 9775. The threonine at codon 3259 is replaced by proline, an amino acid with highly similar properties. This amino acid position is conserved. In addition, this alteration is predicted to be tolerated by in silico analysis. Since supporting evidence is limited at this time, the clinical significance of this alteration remains unclear.